The following is an entry in ClinVar:

NM_000518.5(HBB):c.60C>T (p.Asn20=)

Genes: HBB (hemoglobin subunit beta; minus strand), LOC106099062 (HBB recombination region; plus strand), LOC107133510 (origin of replication at HBB; plus strand). Cytogenetic location: 11p15.4.
Variant type: single nucleotide variant.
Coding change: c.60C>T on transcript NM_000518.5 (MANE Select); coding-DNA position 60, C replaced by T.
Protein change: p.Asn20=; no amino-acid change (asparagine 20 retained).
Molecular consequence: synonymous variant.
Genome position (GRCh38, 1-based): chr11:5,226,962, G>A on the plus strand (C>T on the coding strand, the complement: HBB is on the minus strand). VCF-style: chr11-5226962-G-A. GRCh37 (hg19) VCF-style: chr11-5248192-G-A.
Other names: c.60C>T (NM_000518.4).
Identifiers: ClinVar variation 1083541 (VCV001083541.10), dbSNP rs63750840, ClinGen allele CA5839815.
Genomic context (GRCh38, chr11:5,226,962, plus strand): 5'-AAACCTGTCTTGTAACCTTGATACCAACCTGCCCAGGGCCTCACCACCAACTTCATCCAC[G>A]TTCACCTTGCCCCACAGGGCAGTAACGGCAGACTTCTCCTCAGGAGTCAGATGCACCATG-3'
Protein context (NP_000509.1, residues 10-30): SAVTALWGKV[Asn20=]VDEVGGEALG

ClinVar aggregate classification (germline): Conflicting classifications of pathogenicity. Review status: criteria provided, conflicting classifications (1 of 4 stars). 4 submissions from 4 submitters: Uncertain significance (1); Likely benign (2). 1 of the submissions does not count toward it. Last evaluated 2025-12-14.

Conditions:
beta Thalassemia (BTHAL). Also called: Cooley's anemia; Erythroblastic anemia; Mediterranean anemia. Identifiers: Orphanet 848, MedGen C0005283, MONDO:0019402. Disease mechanism: loss of function.

Allele frequency attached by ClinVar (database versions not stated): gnomAD 0.00001; gnomAD exomes 0.00001; TOPMed 0.00003; ExAC 0.00002.
gnomAD v4.1: 19 of 1,613,666 alleles (0.0012%); highest among the groups gnomAD compares: Middle Eastern, 0.016%; no homozygotes.

Submissions (4):

Labcorp Genetics (formerly Invitae), Labcorp
Classification: Likely benign. Last evaluated: 2025-12-14. Review status: criteria provided, single submitter. Criteria: Invitae Variant Classification Sherloc (09022015). Collection method: clinical testing. Allele origin: germline.

Women's Health and Genetics/Laboratory Corporation of America, LabCorp
Classification: Likely benign. Last evaluated: 2024-12-06. Review status: criteria provided, single submitter. Criteria: LabCorp Variant Classification Summary - May 2015. Collection method: clinical testing. Allele origin: germline.

Quest Diagnostics Nichols Institute San Juan Capistrano
Classification: Uncertain significance. Last evaluated: 2023-04-25. Review status: criteria provided, single submitter. Criteria: Quest Diagnostics criteria. Collection method: clinical testing. Allele origin: unknown.
Comment: To the best of our knowledge, the variant has not been reported in the published literature. The frequency of this variant in the general population, 0.00002 (3/152118 chromosomes), is uninformative in assessment of its pathogenicity. Analysis of this variant using software algorithms for the prediction of the effect of nucleotide changes on HBB mRNA splicing yielded predictions that this variant may result in the gain of a cryptic splice site without affecting the natural splice sites . Based on the available information, we are unable to determine the clinical significance of this variant.

Natera, Inc.
Classification: Likely benign for Beta thalassemia. Last evaluated: 2018-10-24. Review status: no assertion criteria provided. Collection method: clinical testing. Allele origin: germline. Not counted in ClinVar's aggregate classification.